The following is an entry in ClinVar:

ClinVar aggregate classification (germline): Benign. Review status: criteria provided, multiple submitters, no conflicts (2 of 4 stars). 6 submissions from 6 submitters: Benign (6). Last evaluated 2026-02-01.

Conditions:
Holt-Oram syndrome (HOS). Also called: TBX5-Related Holt-Oram Syndrome; Ventriculo-radial syndrome; Cardiac-limb syndrome; Heart-hand syndrome, type 1. Identifiers: Orphanet 392, MedGen C0265264, MONDO:0007732, OMIM 142900.
Cardiovascular phenotype. Identifiers: MedGen CN230736.
Aortic valve disease 2 (AOVD2). Identifiers: MedGen C3542024, MONDO:0013902, OMIM 614823.

Allele frequency attached by ClinVar (database versions not stated): ExAC 0.01311; 1000 Genomes Project 0.03874; gnomAD 0.04016 and 0.04319; 1000 Genomes Project 30x 0.04216; TOPMed 0.04631; ESP Exome Variant Server 0.04836.
gnomAD v4.1: 11,979 of 1,614,098 alleles (0.74%); highest among the groups gnomAD compares: African/African-American, 14%; 794 homozygotes.

Submissions (6):

Labcorp Genetics (formerly Invitae), Labcorp
Classification: Benign for Aortic valve disease 2. Last evaluated: 2026-02-01. Review status: criteria provided, single submitter. Criteria: Invitae Variant Classification Sherloc (09022015). Collection method: clinical testing. Allele origin: germline.

Molecular Diagnostic Laboratory for Inherited Cardiovascular Disease, Montreal Heart Institute
Classification: Benign. Last evaluated: 2025-04-09. Review status: criteria provided, single submitter. Criteria: ACMG Guidelines, 2015. Collection method: clinical testing. Allele origin: germline. Affected: no.

Illumina Laboratory Services, Illumina
Classification: Benign for Holt-Oram syndrome. Last evaluated: 2018-01-13. Review status: criteria provided, single submitter. Criteria: ICSL Variant Classification Criteria 13 December 2019. Collection method: clinical testing. Allele origin: germline.
Comment: This variant was observed in the ICSL laboratory as part of a predisposition screen in an ostensibly healthy population. It had not been previously curated by ICSL or reported in the Human Gene Mutation Database (HGMD: prior to June 1st, 2018), and was therefore a candidate for classification through an automated scoring system. Utilizing variant allele frequency, disease prevalence and penetrance estimates, and inheritance mode, an automated score was calculated to assess if this variant is too frequent to cause the disease. Based on the score and internal cut-off values, a variant classified as benign is not then subjected to further curation. The score for this variant resulted in a classification of benign for this disease.

Women's Health and Genetics/Laboratory Corporation of America, LabCorp
Classification: Benign. Last evaluated: 2016-06-27. Review status: criteria provided, single submitter. Criteria: LabCorp Variant Classification Summary - May 2015. Collection method: clinical testing. Allele origin: germline.
Comment: Variant summary: The TBX5 c.309C>T (p.Leu103Leu) variant involves the alteration of a non-conserved nucleotide, resulting in a synonymous change. One in silico tool predicts a polymorphism outcome for this variant. 5/5 splice prediction tools predict no significant impact on normal splicing. ESE finder predicts that this variant may affect ESE sites. This variant was found in 1592/121410 control chromosomes (111 homozygotes), predominantly observed in the African subpopulation at a frequency of 0.1429258 (1487/10404). This frequency significantly exceeds the estimated maximal expected allele frequency of a pathogenic TBX5 variant (0.0000013), suggesting this is likely a benign polymorphism found primarily in the populations of African origin. This variant has been reported in multiple affected individuals as a polymorphism. Some patient also carried a pathogenic variant, further supporting the benign classification of this variant. In addition, one clinical diagnostic laboratory classified this variant as benign. Taken together, this variant is classified as benign.

Ambry Genetics
Classification: Benign for Cardiovascular phenotype. Last evaluated: 2015-07-15. Review status: criteria provided, single submitter. Criteria: Ambry Variant Classification Scheme 2023. Collection method: clinical testing. Allele origin: germline.

Breakthrough Genomics
Classification: Benign. Review status: criteria provided, single submitter. Criteria: ACMG Guidelines, 2015. Collection method: not provided. Allele origin: germline. Inheritance: Autosomal dominant inheritance. Affected: yes.

Literature cited by the submitters: PubMed 21637475 (cited by Women's Health and Genetics/Laboratory Corporation of America, LabCorp).

NM_181486.4(TBX5):c.309C>T (p.Leu103=)

Gene: TBX5 (T-box transcription factor 5; minus strand). Cytogenetic location: 12q24.21.
Variant type: single nucleotide variant.
Coding change: c.309C>T on transcript NM_181486.4 (MANE Select); coding-DNA position 309, C replaced by T.
Protein change: p.Leu103=; no amino-acid change (leucine 103 retained).
Molecular consequence: synonymous variant.
Genome position (GRCh38, 1-based): chr12:114,399,566, G>A on the plus strand (C>T on the coding strand, the complement: TBX5 is on the minus strand). VCF-style: chr12-114399566-G-A. GRCh37 (hg19) VCF-style: chr12-114837371-G-A.
Other names: c.309C>T, p.Leu103= (NM_000192.3); c.159C>T, p.Leu53= (NM_080717.4).
Identifiers: ClinVar variation 213815 (VCV000213815.20), dbSNP rs28730763, ClinGen allele CA323106.
Genomic context (GRCh38, chr12:114,399,566, plus strand): 5'-TGCCTACCATTTATTATCTGCGAATTTGTATCTGTGATCGTCGGCAGGTACAATGTCCAT[G>A]AGAAGAATGTACTTCGTTTTGGGATTAAGGCCCGTCACCTTCACTTTGTAACTGGGAAAC-3'
Protein context (NP_852259.1, residues 93-113): GLNPKTKYIL[Leu103=]MDIVPADDHR